The following is an entry in ClinVar:

ClinVar aggregate classification (germline): Uncertain significance. Review status: criteria provided, multiple submitters, no conflicts (2 of 4 stars). 2 submissions from 2 submitters: Uncertain significance (2). Last evaluated 2022-09-07.

Conditions:
Weill-Marchesani 4 syndrome, recessive. Also called: Weill-Marchesani syndrome 4. Identifiers: Orphanet 363992, MedGen C2750787, MONDO:0013176, OMIM 613195.

Allele frequency attached by ClinVar (database versions not stated): TOPMed below 0.00001; gnomAD exomes 0.00001.
gnomAD v4.1: 7 of 1,276,352 alleles (0.00055%); highest among the groups gnomAD compares: Non-Finnish European, 0.00069%; no homozygotes.

Submissions (2):

Labcorp Genetics (formerly Invitae), Labcorp
Classification: Uncertain significance. Last evaluated: 2022-09-07. Review status: criteria provided, single submitter. Criteria: Invitae Variant Classification Sherloc (09022015). Collection method: clinical testing. Allele origin: germline.
Comment: In summary, the available evidence is currently insufficient to determine the role of this variant in disease. Therefore, it has been classified as a Variant of Uncertain Significance. Algorithms developed to predict the effect of missense changes on protein structure and function are either unavailable or do not agree on the potential impact of this missense change (SIFT: "Not Available"; PolyPhen-2: "Benign"; Align-GVGD: "Not Available"). ClinVar contains an entry for this variant (Variation ID: 315322). This variant has not been reported in the literature in individuals affected with ADAMTS17-related conditions. This variant is not present in population databases (gnomAD no frequency). This sequence change replaces arginine, which is basic and polar, with leucine, which is neutral and non-polar, at codon 75 of the ADAMTS17 protein (p.Arg75Leu).

Illumina Laboratory Services, Illumina
Classification: Uncertain significance for Weill-Marchesani 4 syndrome, recessive. Last evaluated: 2018-01-12. Review status: criteria provided, single submitter. Criteria: ICSL Variant Classification Criteria 13 December 2019. Collection method: clinical testing. Allele origin: germline.

NM_139057.4(ADAMTS17):c.224G>T (p.Arg75Leu)

Gene: ADAMTS17 (ADAM metallopeptidase with thrombospondin type 1 motif 17; minus strand). Cytogenetic location: 15q26.3.
Variant type: single nucleotide variant.
Coding change: c.224G>T on transcript NM_139057.4 (MANE Select); coding-DNA position 224, G replaced by T.
Protein change: p.Arg75Leu; replaces arginine 75 with leucine.
Molecular consequence: missense variant.
Genome position (GRCh38, 1-based): chr15:100,341,265, C>A on the plus strand (G>T on the coding strand, the complement: ADAMTS17 is on the minus strand). VCF-style: chr15-100341265-C-A. GRCh37 (hg19) VCF-style: chr15-100881470-C-A.
Other names: short protein forms R75L.
Identifiers: ClinVar variation 315322 (VCV000315322.10), dbSNP rs886050981, ClinGen allele CA10641438.